The following is an entry in ClinVar:

NM_001352754.2(ARMC9):c.1717+1G>A

Gene: ARMC9 (armadillo repeat containing 9; plus strand). Cytogenetic location: 2q37.1.
Variant type: single nucleotide variant.
Coding change: c.1717+1G>A on transcript NM_001352754.2 (MANE Select); the canonical splice donor site of the intron after coding-DNA position 1717, G replaced by A.
Molecular consequence: splice donor variant.
Genome position (GRCh38, 1-based): chr2:231,291,444, G>A. VCF-style: chr2-231291444-G-A. GRCh37 (hg19) VCF-style: chr2-232156157-G-A.
Other names: c.1717+1G>A (NM_001271466.4, NM_001352755.2, NM_001352756.2 and 3 more transcripts); c.1618+1G>A (NM_001352757.2, NM_001352758.2).
Identifiers: ClinVar variation 2853034 (VCV002853034.3), dbSNP rs2040982837, ClinGen allele CA350957552.

ClinVar aggregate classification (germline): Likely pathogenic (1 of 4 stars; one submission).

Allele frequency attached by ClinVar (database versions not stated): TOPMed 0.00001.

Submission:

Labcorp Genetics (formerly Invitae), Labcorp
Classification: Likely pathogenic. Last evaluated: 2023-12-31. Review status: criteria provided, single submitter. Criteria: Invitae Variant Classification Sherloc (09022015). Collection method: clinical testing. Allele origin: germline.
Comment: This sequence change affects a donor splice site in intron 17 of the ARMC9 gene. It is expected to disrupt RNA splicing. Variants that disrupt the donor or acceptor splice site typically lead to a loss of protein function (PMID: 16199547), and loss-of-function variants in ARMC9 are known to be pathogenic (PMID: 28625504). This variant is not present in population databases (gnomAD no frequency). This variant has not been reported in the literature in individuals affected with ARMC9-related conditions. Algorithms developed to predict the effect of sequence changes on RNA splicing suggest that this variant may disrupt the consensus splice site. In summary, the currently available evidence indicates that the variant is pathogenic, but additional data are needed to prove that conclusively. Therefore, this variant has been classified as Likely Pathogenic.

Literature cited by the submitters: PubMed 16199547; PubMed 28625504.